The following is an entry in ClinVar:

ClinVar aggregate classification (germline): Uncertain significance. Review status: criteria provided, multiple submitters, no conflicts (2 of 4 stars). 3 submissions from 3 submitters: Uncertain significance (3). Last evaluated 2024-03-05.

Allele frequency attached by ClinVar (database versions not stated): gnomAD exomes 0.00001 and 0.00006; ExAC 0.00002; gnomAD 0.00002; TOPMed 0.00004; ESP Exome Variant Server 0.00008.

Submissions (3):

Labcorp Genetics (formerly Invitae), Labcorp
Classification: Uncertain significance. Last evaluated: 2024-03-05. Review status: criteria provided, single submitter. Criteria: Invitae Variant Classification Sherloc (09022015). Collection method: clinical testing. Allele origin: germline.
Comment: This sequence change replaces alanine, which is neutral and non-polar, with threonine, which is neutral and polar, at codon 131 of the SPTA1 protein (p.Ala131Thr). This variant is present in population databases (rs199500418, gnomAD 0.003%). This variant has not been reported in the literature in individuals affected with SPTA1-related conditions. ClinVar contains an entry for this variant (Variation ID: 1693640). Algorithms developed to predict the effect of missense changes on protein structure and function output the following: SIFT: "Not Available"; PolyPhen-2: "Benign"; Align-GVGD: "Not Available". The threonine amino acid residue is found in multiple mammalian species, which suggests that this missense change does not adversely affect protein function. In summary, the available evidence is currently insufficient to determine the role of this variant in disease. Therefore, it has been classified as a Variant of Uncertain Significance.

Mayo Clinic Laboratories, Mayo Clinic
Classification: Uncertain significance. Last evaluated: 2021-12-20. Review status: criteria provided, single submitter. Criteria: ACMG Guidelines, 2015. Collection method: clinical testing. Allele origin: germline.

Revvity Omics, Revvity
Classification: Uncertain significance. Last evaluated: 2021-09-01. Review status: criteria provided, single submitter. Criteria: ACMG Guidelines, 2015. Collection method: clinical testing. Allele origin: germline.

NM_003126.4(SPTA1):c.391G>A (p.Ala131Thr)

Gene: SPTA1 (spectrin alpha, erythrocytic 1; minus strand). Cytogenetic location: 1q23.1.
Variant type: single nucleotide variant.
Coding change: c.391G>A on transcript NM_003126.4 (MANE Select); coding-DNA position 391, G replaced by A.
Protein change: p.Ala131Thr; replaces alanine 131 with threonine.
Molecular consequence: missense variant.
Genome position (GRCh38, 1-based): chr1:158,681,667, C>T on the plus strand (G>A on the coding strand, the complement: SPTA1 is on the minus strand). VCF-style: chr1-158681667-C-T. GRCh37 (hg19) VCF-style: chr1-158651457-C-T.
Other names: p.Ala131Thr; short protein forms A131T.
Identifiers: ClinVar variation 1693640 (VCV001693640.9), dbSNP rs199500418, ClinGen allele CA1184156.